The following is an entry in ClinVar:

GRCh38/hg38 2q13(chr2:110104900-110207160)x1

Genes: MALL (mal, T cell differentiation protein like; minus strand), NPHP1 (nephrocystin 1; minus strand), LOC126806305 (BRD4-independent group 4 enhancer GRCh37_chr2:110863055-110864254; plus strand), LOC126806306 (P300/CBP strongly-dependent group 1 enhancer GRCh37_chr2:110906815-110908014; plus strand). Cytogenetic location: 2q13.
Variant type: copy number loss.
Change: copy number 1 (one copy instead of two) of chr2:110,104,900-110,207,160 (102.3 kb, GRCh38 coordinates, 1-based), cytogenetic band 2q13.
Identifiers: ClinVar variation 161015 (VCV000161015.1).

ClinVar aggregate classification (germline): Benign (1 of 4 stars; one submission).

Submission:

ISCA site 4
Classification: Benign. Last evaluated: 2011-08-12. Review status: criteria provided, single submitter. Criteria: Kaminsky et al. (Genet Med. 2011). Collection method: clinical testing. Allele origin: unknown. Affected: yes. Observed: 3 variant alleles. Clinical features observed: Agenesis of corpus callosum (HP:0001274), Abnormal facial shape (HP:0001999), Developmental delay AND/OR other significant developmental or morphological phenotypes.
Comment: Copy number variation identified through the course of routine clinical cytogenomic testing in postnatal populations. Clinical assertions have been curated as described in Kaminsky et al. 2011.